The following is an entry in ClinVar:

NM_000142.5(FGFR3):c.663G>A (p.Ser221=)

Gene: FGFR3 (fibroblast growth factor receptor 3; plus strand). Cytogenetic location: 4p16.3.
Variant type: single nucleotide variant.
Coding change: c.663G>A on transcript NM_000142.5 (MANE Select); coding-DNA position 663, G replaced by A.
Protein change: p.Ser221=; no amino-acid change (serine 221 retained).
Molecular consequence: synonymous variant. On other transcripts: non-coding transcript variant (1).
Genome position (GRCh38, 1-based): chr4:1,801,667, G>A. VCF-style: chr4-1801667-G-A. GRCh37 (hg19) VCF-style: chr4-1803394-G-A.
Other names: c.663G>A, p.Ser221= (NM_001163213.2, NM_001354809.2, NM_001354810.2 and 1 more transcripts).
Identifiers: ClinVar variation 465355 (VCV000465355.29), dbSNP rs114421370, ClinGen allele CA2809916.

ClinVar aggregate classification (germline): Benign/Likely benign. Review status: criteria provided, multiple submitters, no conflicts (2 of 4 stars). 11 submissions from 11 submitters: Benign (5); Likely benign (2). 4 of the submissions do not count toward it. Last evaluated 2026-07-01.

Allele frequency attached by ClinVar (database versions not stated): gnomAD exomes 0.00050 and 0.00117; ExAC 0.00190; gnomAD 0.00458 and 0.00485; 1000 Genomes Project 30x 0.00500; TOPMed 0.00503; 1000 Genomes Project 0.00519; ESP Exome Variant Server 0.00577.
gnomAD v4.1: 1,472 of 1,611,412 alleles (0.091%); highest among the groups gnomAD compares: African/African-American, 1.6%; 7 homozygotes.

Submissions (11):

CeGaT Center for Human Genetics Tuebingen
Classification: Likely benign. Last evaluated: 2026-07-01. Review status: criteria provided, single submitter. Criteria: CeGaT Center For Human Genetics Tuebingen Variant Classification Criteria Version 2. Collection method: clinical testing. Allele origin: germline. Affected: yes. Observed: 1 variant allele.
Comment: FGFR3: BP4, BP7, BS1

Women's Health and Genetics/Laboratory Corporation of America, LabCorp
Classification: Benign. Last evaluated: 2026-05-11. Review status: criteria provided, single submitter. Criteria: LabCorp Variant Classification Summary - May 2015. Collection method: clinical testing. Allele origin: germline.

Labcorp Genetics (formerly Invitae), Labcorp
Classification: Benign. Last evaluated: 2026-01-07. Review status: criteria provided, single submitter. Criteria: Invitae Variant Classification Sherloc (09022015). Collection method: clinical testing. Allele origin: germline.

ARUP Laboratories, Molecular Genetics and Genomics, ARUP Laboratories
Classification: Benign. Last evaluated: 2024-12-27. Review status: criteria provided, single submitter. Criteria: ARUP Molecular Germline Variant Investigation Process 2024. Collection method: clinical testing. Allele origin: germline.

Blueprint Genetics
Classification: Likely benign. Last evaluated: 2024-11-26. Review status: criteria provided, single submitter. Criteria: ACMG Guidelines, 2015. Collection method: clinical testing. Allele origin: germline.

GeneDx
Classification: Benign. Last evaluated: 2017-08-21. Review status: criteria provided, single submitter. Criteria: GeneDx Variant Classification (06012015). Collection method: clinical testing. Allele origin: germline. Affected: yes.
Comment: This variant is considered likely benign or benign based on one or more of the following criteria: it is a conservative change, it occurs at a poorly conserved position in the protein, it is predicted to be benign by multiple in silico algorithms, and/or has population frequency not consistent with disease.

Breakthrough Genomics
Classification: Benign. Review status: criteria provided, single submitter. Criteria: ACMG Guidelines, 2015. Collection method: not provided. Allele origin: germline. Inheritance: Autosomal dominant inheritance. Affected: yes.

Clinical Genetics DNA and cytogenetics Diagnostics Lab, Erasmus MC, Erasmus Medical Center
Classification: Likely benign. Review status: no assertion criteria provided. Collection method: clinical testing. Allele origin: germline. Affected: yes. Study: VKGL Data-share Consensus. Not counted in ClinVar's aggregate classification.

Genome Diagnostics Laboratory, Amsterdam University Medical Center
Classification: Benign. Review status: no assertion criteria provided. Collection method: clinical testing. Allele origin: germline. Affected: yes. Study: VKGL Data-share Consensus. Not counted in ClinVar's aggregate classification.

Joint Genome Diagnostic Labs from Nijmegen and Maastricht, Radboudumc and MUMC+
Classification: Likely benign. Review status: no assertion criteria provided. Collection method: clinical testing. Allele origin: germline. Affected: yes. Study: VKGL Data-share Consensus. Not counted in ClinVar's aggregate classification.

Laboratory of Diagnostic Genome Analysis, Leiden University Medical Center (LUMC)
Classification: Likely benign. Review status: no assertion criteria provided. Collection method: clinical testing. Allele origin: germline. Affected: yes. Study: VKGL Data-share Consensus. Not counted in ClinVar's aggregate classification.